The following is an entry in ClinVar:

ClinVar aggregate classification (germline): Uncertain significance (1 of 4 stars; one submission).

Submission:

Ambry Genetics
Classification: Uncertain significance. Last evaluated: 2025-11-25. Review status: criteria provided, single submitter. Criteria: Ambry Variant Classification Scheme 2023. Collection method: clinical testing. Allele origin: germline.
Comment: The p.A132S variant (also known as c.394G>T), located in coding exon 3 of the GEN1 gene, results from a G to T substitution at nucleotide position 394. The alanine at codon 132 is replaced by serine, an amino acid with similar properties. This amino acid position is conserved. In addition, this alteration is predicted to be tolerated by in silico analysis. Based on the available evidence, the clinical significance of this variant remains unclear.

NM_001130009.3(GEN1):c.394G>T (p.Ala132Ser)

Gene: GEN1 (GEN1 structure-specific endonuclease; plus strand). Cytogenetic location: 2p24.2.
Variant type: single nucleotide variant.
Coding change: c.394G>T on transcript NM_001130009.3 (MANE Select); coding-DNA position 394, G replaced by T.
Protein change: p.Ala132Ser; replaces alanine 132 with serine.
Molecular consequence: missense variant.
Genome position (GRCh38, 1-based): chr2:17,764,942, G>T. VCF-style: chr2-17764942-G-T. GRCh37 (hg19) VCF-style: chr2-17946209-G-T.
Other names: c.394G>T, p.Ala132Ser (NM_182625.5); short protein forms A132S.
Identifiers: ClinVar variation 4671511 (VCV004671511.1).